The following is an entry in ClinVar:

ClinVar aggregate classification (germline): Uncertain significance. Review status: criteria provided, multiple submitters, no conflicts (2 of 4 stars). 3 submissions from 3 submitters: Uncertain significance (3). Last evaluated 2026-08-24.

Conditions:
MAGEL2-related disorder. Also called: MAGEL2-related condition.
Schaaf-Yang syndrome (SHFYNG). Also called: Arthrogryposis, distal, with hypopituitarism, intellectual disability, and facial anomalies; MAGEL2-related Prader-Willi-like syndrome. Identifiers: Orphanet 398069, MedGen C5575066, MONDO:0014243, OMIM 615547.

Submissions (3):

PreventionGenetics, part of Exact Sciences
Classification: Uncertain significance for MAGEL2-related condition. Last evaluated: 2026-08-24. Review status: criteria provided, single submitter. Criteria: ACMG Guidelines, 2015. Collection method: clinical testing. Allele origin: germline.
Comment: The MAGEL2 c.509_510delinsTG variant is predicted to result in an in-frame deletion and insertion. To our knowledge, this variant has not been reported in the literature or in a large population database (gnomAD), indicating this variant is rare. An alternate variant leading to the same amino acid substitution (c.509C>T, p.Ala170Val) was reported to have been paternally-inherited in and individual with myoclonic encephalopathy. However, that individual also harbored a de novo variant in the SIK1 gene that was considered more likely to be causative, while the MAGEL2 variant was considered less likely to be causative (Table S1, Hansen et al. 2015. PubMed ID: 25839329). At this time, the clinical significance of this variant is uncertain due to the absence of conclusive functional and genetic evidence.

Labcorp Genetics (formerly Invitae), Labcorp
Classification: Uncertain significance. Last evaluated: 2023-07-26. Review status: criteria provided, single submitter. Criteria: Invitae Variant Classification Sherloc (09022015). Collection method: clinical testing. Allele origin: germline.
Comment: In summary, the available evidence is currently insufficient to determine the role of this variant in disease. Therefore, it has been classified as a Variant of Uncertain Significance. Experimental studies and prediction algorithms are not available or were not evaluated, and the functional significance of this variant is currently unknown. ClinVar contains an entry for this variant (Variation ID: 1184373). This variant has not been reported in the literature in individuals affected with MAGEL2-related conditions. Information on the frequency of this variant in the gnomAD database is not available, as this variant may be reported differently in the database. This sequence change replaces alanine, which is neutral and non-polar, with valine, which is neutral and non-polar, at codon 170 of the MAGEL2 protein (p.Ala170Val).

New York Genome Center
Classification: Uncertain significance for Schaaf-Yang syndrome. Last evaluated: 2020-07-03. Review status: criteria provided, single submitter. Criteria: NYGC Assertion Criteria 2020. Collection method: clinical testing. Allele origin: inherited. Observed: 1 heterozygote. Study: CSER-NYCKidSeq.

NM_019066.5(MAGEL2):c.509_510delinsTG (p.Ala170Val)

Gene: MAGEL2 (MAGE family member L2; minus strand). Cytogenetic location: 15q11.2.
Variant type: Indel.
Coding change: c.509_510delinsTG on transcript NM_019066.5 (MANE Select); coding-DNA positions 509 to 510, CC replaced by TG.
Protein change: p.Ala170Val; replaces alanine 170 with valine.
Molecular consequence: missense variant.
Genome position (GRCh38, 1-based): chr15:23,647,233-23,647,234, GG replaced by CA on the plus strand (CC replaced by TG on the coding strand, the reverse complement: MAGEL2 is on the minus strand). VCF-style: chr15-23647233-GG-CA. GRCh37 (hg19) VCF-style: chr15-23892380-GG-CA.
Other names: c.509_510delCCinsTG (NM_019066.5); c.509_510delinsTG (NM_019066.4); short protein forms A170V.
Identifiers: ClinVar variation 1184373 (VCV001184373.7), dbSNP rs2140718561, ClinGen allele CA2499222855.